The following is an entry in ClinVar:

NM_014476.6(PDLIM3):c.418G>A (p.Gly140Arg)

Gene: PDLIM3 (PDZ and LIM domain 3; minus strand). Cytogenetic location: 4q35.1.
Variant type: single nucleotide variant.
Coding change: c.418G>A on transcript NM_014476.6 (MANE Select); coding-DNA position 418, G replaced by A.
Protein change: p.Gly140Arg; replaces glycine 140 with arginine.
Molecular consequence: missense variant. On other transcripts: intron variant (3).
Genome position (GRCh38, 1-based): chr4:185,508,543, C>T on the plus strand (G>A on the coding strand, the complement: PDLIM3 is on the minus strand). VCF-style: chr4-185508543-C-T. GRCh37 (hg19) VCF-style: chr4-186429697-C-T.
Other names: c.162-1891G>A (NM_001257963.2); c.399-1891G>A (NM_001257962.2); c.519-1891G>A (NM_001114107.5); c.418G>A (NM_014476.4); short protein forms G140R.
Identifiers: ClinVar variation 1405146 (VCV001405146.10), dbSNP rs762780442, ClinGen allele CA3159777.

ClinVar aggregate classification (germline): Uncertain significance. Review status: criteria provided, multiple submitters, no conflicts (2 of 4 stars). 3 submissions from 3 submitters: Uncertain significance (3). Last evaluated 2025-12-19.

Conditions:
Primary dilated cardiomyopathy (DCM). Also called: Dilated Cardiomyopathy. Identifiers: Orphanet 217604, MedGen C0007193, MeSH D002311, MONDO:0005021, HP:0001644. Inheritance: Various modes of inheritance.
Hypertrophic cardiomyopathy. Also called: HYPERTROPHIC MYOCARDIOPATHY. Identifiers: Orphanet 217569, MedGen C0007194, MeSH D002312, MONDO:0005045, HP:0001639.

Allele frequency attached by ClinVar (database versions not stated): gnomAD 0.00001; ExAC 0.00002; gnomAD exomes 0.00002; TOPMed 0.00002.

Submissions (3):

Ambry Genetics
Classification: Uncertain significance. Last evaluated: 2025-12-19. Review status: criteria provided, single submitter. Criteria: Ambry Variant Classification Scheme 2023. Collection method: clinical testing. Allele origin: germline.
Comment: The p.G140R variant (also known as c.418G>A), located in coding exon 5 of the PDLIM3 gene, results from a G to A substitution at nucleotide position 418. The glycine at codon 140 is replaced by arginine, an amino acid with dissimilar properties. This amino acid position is conserved. In addition, the in silico prediction for this alteration is inconclusive. Based on the available evidence, the clinical significance of this variant remains unclear.

Labcorp Genetics (formerly Invitae), Labcorp
Classification: Uncertain significance for Hypertrophic cardiomyopathy; Primary dilated cardiomyopathy. Last evaluated: 2025-05-07. Review status: criteria provided, single submitter. Criteria: Invitae Variant Classification Sherloc (09022015). Collection method: clinical testing. Allele origin: germline.
Comment: This sequence change replaces glycine, which is neutral and non-polar, with arginine, which is basic and polar, at codon 140 of the PDLIM3 protein (p.Gly140Arg). This variant is present in population databases (rs762780442, gnomAD 0.004%). This variant has not been reported in the literature in individuals affected with PDLIM3-related conditions. ClinVar contains an entry for this variant (Variation ID: 1405146). Invitae Evidence Modeling of protein sequence and biophysical properties (such as structural, functional, and spatial information, amino acid conservation, physicochemical variation, residue mobility, and thermodynamic stability) indicates that this missense variant is not expected to disrupt PDLIM3 protein function with a negative predictive value of 80%. In summary, the available evidence is currently insufficient to determine the role of this variant in disease. Therefore, it has been classified as a Variant of Uncertain Significance.

Laboratory for Molecular Medicine, Mass General Brigham Personalized Medicine
Classification: Uncertain significance. Last evaluated: 2021-10-27. Review status: criteria provided, single submitter. Criteria: ACMG Guidelines, 2015. Collection method: clinical testing. Allele origin: germline.
Comment: The p.Gly140Arg variant in PDLIM3 has not been previously reported in individuals with cardiomyopathy but has been identified in 0.004% (5/128704) of European chromosomes by gnomAD. Computational prediction tools and conservation analyses do not provide strong support for or against an impact to the protein. In summary, the clinical significance of this variant is uncertain. ACMG/AMP Criteria applied: none.